The following is an entry in ClinVar:

ClinVar aggregate classification (germline): Pathogenic/Likely pathogenic. Review status: criteria provided, multiple submitters, no conflicts (2 of 4 stars). 2 submissions from 2 submitters: Pathogenic (1); Likely pathogenic (1). Last evaluated 2024-04-19.

Submissions (2):

Labcorp Genetics (formerly Invitae), Labcorp
Classification: Pathogenic. Last evaluated: 2024-04-19. Review status: criteria provided, single submitter. Criteria: Invitae Variant Classification Sherloc (09022015). Collection method: clinical testing. Allele origin: germline.
Comment: This sequence change creates a premature translational stop signal (p.Lys314Glnfs*3) in the CPOX gene. It is expected to result in an absent or disrupted protein product. Loss-of-function variants in CPOX are known to be pathogenic (PMID: 9888388). This variant is not present in population databases (gnomAD no frequency). This variant has not been reported in the literature in individuals affected with CPOX-related conditions. ClinVar contains an entry for this variant (Variation ID: 422712). For these reasons, this variant has been classified as Pathogenic.

GeneDx
Classification: Likely pathogenic. Last evaluated: 2016-11-07. Review status: criteria provided, single submitter. Criteria: GeneDx Variant Classification (06012015). Collection method: clinical testing. Allele origin: germline. Affected: yes.
Comment: The c.939dupC variant in the CPOX gene has not been reported previously as a pathogenic variant nor as a benign variant, to our knowledge. This variant causes a frameshift starting with codon Lysine 314, changes this amino acid to a Glutamine residue, and creates a premature Stop codon at position 3 of the new reading frame, denoted p.Lys314GlnfsX3. This variant is predicted to cause loss of normal protein function either through protein truncation or nonsense-mediated mRNA decay. The c.939dupC variant was not observed in approximately 6500 individuals of European and African American ancestry in the NHLBI Exome Sequencing Project, indicating it is not a common benign variant in these populations. We interpret c.939dupC as a likely pathogenic variant.

Literature cited by the submitters: PubMed 9888388 (cited by Labcorp Genetics (formerly Invitae), Labcorp).

NM_000097.7(CPOX):c.939dup (p.Lys314fs)

Gene: CPOX (coproporphyrinogen oxidase; minus strand). Cytogenetic location: 3q11.2.
Variant type: Duplication.
Coding change: c.939dup on transcript NM_000097.7 (MANE Select); coding-DNA position 939, one base duplicated (C; older notation c.939dupC).
Protein change: p.Lys314fs; shifts the reading frame from lysine 314.
Molecular consequence: frameshift variant.
Genome position (GRCh38, 1-based): chr3:98,588,727, G duplicated on the plus strand (C on the coding strand, the reverse complement: CPOX is on the minus strand); the first of 4 consecutive G bases (chr3:98,588,727-98,588,730); duplicating any one gives the same sequence. VCF-style (leftmost placement, unchanged base first): chr3-98588726-T-TG. GRCh37 (hg19) VCF-style: chr3-98307570-T-TG.
Other names: c.939dup, p.Lys314fs (LRG_1077t1); short protein forms K314fs.
Identifiers: ClinVar variation 422712 (VCV000422712.5), dbSNP rs1553696121, ClinGen allele CA16618018.